The following is an entry in ClinVar:

NM_000236.3(LIPC):c.652G>C (p.Asp218His)

Gene: LIPC (lipase C, hepatic type; plus strand). Cytogenetic location: 15q21.3.
Variant type: single nucleotide variant.
Coding change: c.652G>C on transcript NM_000236.3 (MANE Select); coding-DNA position 652, G replaced by C.
Protein change: p.Asp218His; replaces aspartic acid 218 with histidine.
Molecular consequence: missense variant.
Genome position (GRCh38, 1-based): chr15:58,545,819, G>C. VCF-style: chr15-58545819-G-C. GRCh37 (hg19) VCF-style: chr15-58838018-G-C.
Other names: short protein forms D218H.
Identifiers: ClinVar variation 2313761 (VCV002313761.4), dbSNP rs199772942, ClinGen allele CA7584950.

ClinVar aggregate classification (germline): Uncertain significance. Review status: criteria provided, multiple submitters, no conflicts (2 of 4 stars). 2 submissions from 2 submitters: Uncertain significance (2). Last evaluated 2025-12-03.

Allele frequency attached by ClinVar (database versions not stated): gnomAD 0.00001; ExAC 0.00002; gnomAD exomes 0.00002; TOPMed 0.00003.
gnomAD v4.1: 31 of 1,614,064 alleles (0.0019%); highest among the groups gnomAD compares: Non-Finnish European, 0.00034%; no homozygotes.

Submissions (2):

Labcorp Genetics (formerly Invitae), Labcorp
Classification: Uncertain significance. Last evaluated: 2025-12-03. Review status: criteria provided, single submitter. Criteria: Invitae Variant Classification Sherloc (09022015). Collection method: clinical testing. Allele origin: germline.
Comment: This sequence change replaces aspartic acid, which is acidic and polar, with histidine, which is basic and polar, at codon 218 of the LIPC protein (p.Asp218His). This variant is present in population databases (rs199772942, gnomAD 0.06%). This variant has not been reported in the literature in individuals affected with LIPC-related conditions. ClinVar contains an entry for this variant (Variation ID: 2313761). Invitae Evidence Modeling of protein sequence and biophysical properties (such as structural, functional, and spatial information, amino acid conservation, physicochemical variation, residue mobility, and thermodynamic stability) indicates that this missense variant is expected to disrupt LIPC protein function with a positive predictive value of 80%. In summary, the available evidence is currently insufficient to determine the role of this variant in disease. Therefore, it has been classified as a Variant of Uncertain Significance.

Ambry Genetics
Classification: Uncertain significance. Last evaluated: 2025-06-09. Review status: criteria provided, single submitter. Criteria: Ambry Variant Classification Scheme 2023. Collection method: clinical testing. Allele origin: germline.